The following is an entry in ClinVar:

ClinVar aggregate classification (germline): Uncertain significance (1 of 4 stars; one submission).

Conditions:
Hereditary cancer-predisposing syndrome. Also called: Tumor predisposition; Hereditary neoplastic syndrome; Neoplastic Syndromes, Hereditary; Hereditary Cancer Syndrome. Identifiers: Orphanet 140162, MedGen C0027672, MeSH D009386, MONDO:0015356.

Submission:

Ambry Genetics
Classification: Uncertain significance for Hereditary cancer-predisposing syndrome. Last evaluated: 2025-04-03. Review status: criteria provided, single submitter. Criteria: Ambry Variant Classification Scheme 2023. Collection method: clinical testing. Allele origin: germline.
Comment: The p.S2252Y variant (also known as c.6755C>A), located in coding exon 10 of the BRCA2 gene, results from a C to A substitution at nucleotide position 6755. The serine at codon 2252 is replaced by tyrosine, an amino acid with dissimilar properties. This amino acid position is conserved. In addition, the in silico prediction for this alteration is inconclusive. Based on the available evidence, the clinical significance of this variant remains unclear.

NM_000059.4(BRCA2):c.6755C>A (p.Ser2252Tyr)

Gene: BRCA2 (BRCA2 DNA repair associated; plus strand). Cytogenetic location: 13q13.1.
Variant type: single nucleotide variant.
Coding change: c.6755C>A on transcript NM_000059.4 (MANE Select); coding-DNA position 6755, C replaced by A.
Protein change: p.Ser2252Tyr; replaces serine 2252 with tyrosine.
Molecular consequence: missense variant. On other transcripts: non-coding transcript variant (1), intron variant (2).
Genome position (GRCh38, 1-based): chr13:32,341,110, C>A. VCF-style: chr13-32341110-C-A. GRCh37 (hg19) VCF-style: chr13-32915247-C-A.
Other names: c.6755C>A, p.Ser2252Tyr (NM_001406719.1, NM_001406720.1, NM_001432077.1); c.1910-3448C>A (NM_001406721.1); c.425-3448C>A (NM_001406722.1); short protein forms S2252Y.
Identifiers: ClinVar variation 3992789 (VCV003992789.1).
Genomic context (GRCh38, chr13:32,341,110, plus strand): 5'-AAGCTTTTATGGAAGATGATGAACTGACAGATTCTAAACTGCCAAGTCATGCCACACATT[C>A]TCTTTTTACATGTCCCGAAAATGAGGAAATGGTTTTGTCAAATTCAAGAATTGGAAAAAG-3'
Protein context (NP_000050.3, residues 2242-2262): DSKLPSHATH[Ser2252Tyr]LFTCPENEEM